The following is an entry in ClinVar:

NM_000262.3(NAGA):c.17-268_17-247dup

Gene: NAGA (alpha-N-acetylgalactosaminidase; minus strand). Cytogenetic location: 22q13.2.
Variant type: Duplication.
Coding change: c.17-268_17-247dup on transcript NM_000262.3 (MANE Select); 268 bases into the intron before coding-DNA position 17 through 247 bases into the intron before coding-DNA position 17, 22 bases duplicated (GTGTTAGTTTTGCTAATTCCAG).
Molecular consequence: intron variant.
Genome position (GRCh38, 1-based): chr22:42,068,821-42,068,842, CTGGAATTAGCAAAACTAACAC duplicated on the plus strand (GTGTTAGTTTTGCTAATTCCAG on the coding strand, the reverse complement: NAGA is on the minus strand); duplicating any 22 consecutive bases within chr22:42,068,821-42,068,844 gives the same sequence; the c. name uses the placement nearest the transcript's 3' end. VCF-style (leftmost placement, unchanged base first): chr22-42068820-G-GCTGGAATTAGCAAAACTAACAC. GRCh37 (hg19) VCF-style: chr22-42464824-G-GCTGGAATTAGCAAAACTAACAC.
Other names: c.17-268_17-247dup (NM_001362850.1, NM_001362848.1).
Identifiers: ClinVar variation 3041766 (VCV003041766.2), dbSNP rs140490511, ClinGen allele CA324657471.

ClinVar aggregate classification (germline): Uncertain significance (0 of 4 stars; one submission).

Conditions:
NAGA-related disorder. Also called: NAGA-related disorders; NAGA-related condition. Identifiers: MedGen CN378768.

Submission:

PreventionGenetics, part of Exact Sciences
Classification: Uncertain significance for NAGA-related condition. Last evaluated: 2023-11-10. Review status: no assertion criteria provided. Collection method: clinical testing. Allele origin: germline.
Comment: The NAGA c.17-268_17-247dup22 variant is predicted to result in an intronic duplication. To our knowledge, this variant has not been reported in the literature or in a large population database, indicating this variant is rare. This variant is predicted to alter splicing based on available splicing prediction software (Alamut Visual v1.6.1.). However, the use of computer prediction softwares is not equivalent to functional evidence. At this time, the clinical significance of this variant is uncertain due to the absence of conclusive functional and genetic evidence.